The following is an entry in ClinVar:

ClinVar aggregate classification (germline): Uncertain significance. Review status: criteria provided, multiple submitters, no conflicts (2 of 4 stars). 2 submissions from 2 submitters: Uncertain significance (2). Last evaluated 2022-01-28.

Conditions:
Larsen-like syndrome, B3GAT3 type. Also called: MULTIPLE JOINT DISLOCATIONS, SHORT STATURE, AND CRANIOFACIAL DYSMORPHISM WITH OR WITHOUT CONGENITAL HEART DEFECTS; Multiple joint dislocations, short stature, craniofacial dysmorphism, with or without congenital heart defects. Identifiers: Orphanet 284139, MedGen CN034159, MONDO:0009511, OMIM 245600.

Allele frequency attached by ClinVar (database versions not stated): gnomAD exomes 0.00001; ExAC 0.00002; gnomAD 0.00003; TOPMed 0.00003.
gnomAD v4.1: 18 of 1,614,004 alleles (0.0011%); highest among the groups gnomAD compares: Middle Eastern, 0.017%; no homozygotes.

Submissions (2):

Labcorp Genetics (formerly Invitae), Labcorp
Classification: Uncertain significance for Larsen-like syndrome, B3GAT3 type. Last evaluated: 2022-01-28. Review status: criteria provided, single submitter. Criteria: Invitae Variant Classification Sherloc (09022015). Collection method: clinical testing. Allele origin: germline.
Comment: This sequence change replaces arginine, which is basic and polar, with tryptophan, which is neutral and slightly polar, at codon 303 of the B3GAT3 protein (p.Arg303Trp). This variant is present in population databases (rs372126822, gnomAD 0.02%). This variant has not been reported in the literature in individuals affected with B3GAT3-related conditions. Algorithms developed to predict the effect of missense changes on protein structure and function are either unavailable or do not agree on the potential impact of this missense change (SIFT: "Deleterious"; PolyPhen-2: "Probably Damaging"; Align-GVGD: "Class C15"). In summary, the available evidence is currently insufficient to determine the role of this variant in disease. Therefore, it has been classified as a Variant of Uncertain Significance.

Juno Genomics, Hangzhou Juno Genomics, Inc
Classification: Uncertain significance for Larsen-like syndrome, B3GAT3 type. Review status: criteria provided, single submitter. Criteria: ACMG Guidelines, 2015. Collection method: clinical testing. Allele origin: germline.
Comment: Absent from controls (or at extremely low frequency if recessive) in Genome Aggregation Database.

NM_012200.4(B3GAT3):c.907C>T (p.Arg303Trp)

Gene: B3GAT3 (beta-1,3-glucuronyltransferase 3; minus strand). Cytogenetic location: 11q12.3.
Variant type: single nucleotide variant.
Coding change: c.907C>T on transcript NM_012200.4 (MANE Select); coding-DNA position 907, C replaced by T.
Protein change: p.Arg303Trp; replaces arginine 303 with tryptophan.
Molecular consequence: missense variant. On other transcripts: non-coding transcript variant (1).
Genome position (GRCh38, 1-based): chr11:62,616,508, G>A on the plus strand (C>T on the coding strand, the complement: B3GAT3 is on the minus strand). VCF-style: chr11-62616508-G-A. GRCh37 (hg19) VCF-style: chr11-62383980-G-A.
Other names: c.886C>T, p.Arg296Trp (NM_001288721.2); c.907C>T, p.Arg303Trp (NM_001288722.2, NM_001288723.2); short protein forms R296W, R303W.
Identifiers: ClinVar variation 2158092 (VCV002158092.3), dbSNP rs372126822, ClinGen allele CA6049985.